The following is an entry in ClinVar:

ClinVar aggregate classification (germline): Conflicting classifications of pathogenicity. Review status: criteria provided, conflicting classifications (1 of 4 stars). 4 submissions from 4 submitters: Likely pathogenic (1); Uncertain significance (3). Last evaluated 2026-01-06.

Conditions:
Hereditary nonpolyposis colorectal neoplasms. Identifiers: MedGen C0009405, MeSH D003123.
Hereditary cancer-predisposing syndrome. Also called: Neoplastic Syndromes, Hereditary; Hereditary neoplastic syndrome; Tumor predisposition; Hereditary Cancer Syndrome. Identifiers: Orphanet 140162, MedGen C0027672, MeSH D009386, MONDO:0015356.
Mismatch repair cancer syndrome 1 (MMRCS1). Also called: CHILDHOOD CANCER SYNDROME; MISMATCH REPAIR DEFICIENCY; MMR DEFICIENCY; BRAIN TUMOR-POLYPOSIS SYNDROME 1; BTP1 SYNDROME. Identifiers: Orphanet 252202, MedGen C5399763, MONDO:0010159, OMIM 276300. Disease mechanism: loss of function.
Lynch syndrome 4 (LYNCH4). Also called: Hereditary non-polyposis colorectal cancer, type 4; Colorectal cancer, hereditary nonpolyposis, type 4. Identifiers: Orphanet 144, MedGen C1838333, MONDO:0013699, OMIM 614337. Disease mechanism: loss of function.

Allele frequency attached by ClinVar (database versions not stated): TOPMed below 0.00001; gnomAD exomes 0.00001.

Submissions (4):

Ambry Genetics
Classification: Uncertain significance for Hereditary cancer-predisposing syndrome. Last evaluated: 2026-01-06. Review status: criteria provided, single submitter. Criteria: Ambry Variant Classification Scheme 2023. Collection method: clinical testing. Allele origin: germline.
Comment: The p.L856R variant (also known as c.2567T>G), located in coding exon 15 of the PMS2 gene, results from a T to G substitution at nucleotide position 2567. The leucine at codon 856 is replaced by arginine, an amino acid with dissimilar properties. This variant has been detected in probands whose Lynch syndrome-associated tumors demonstrated both intact expression and isolated loss of PMS2 expression by immunohistochemistry (Ambry internal data). This amino acid position is highly conserved in available vertebrate species. In addition, this alteration is predicted to be deleterious by in silico analysis. Based on the available evidence, the clinical significance of this variant remains unclear.

Labcorp Genetics (formerly Invitae), Labcorp
Classification: Likely pathogenic for Hereditary nonpolyposis colorectal neoplasms. Last evaluated: 2025-12-07. Review status: criteria provided, single submitter. Criteria: Invitae Variant Classification Sherloc (09022015). Collection method: clinical testing. Allele origin: germline.
Comment: This sequence change replaces leucine, which is neutral and non-polar, with arginine, which is basic and polar, at codon 856 of the PMS2 protein (p.Leu856Arg). The frequency data for this variant in the population databases (gnomAD) is considered unreliable due to the presence of homologous sequence, such as pseudogenes or paralogs, in the genome. This missense change has been observed in individuals with colon cancer and/or endometrial cancer (internal data). ClinVar contains an entry for this variant (Variation ID: 142260). Invitae Evidence Modeling of protein sequence and biophysical properties (such as structural, functional, and spatial information, amino acid conservation, physicochemical variation, residue mobility, and thermodynamic stability) indicates that this missense variant is expected to disrupt PMS2 protein function with a positive predictive value of 80%. In summary, the currently available evidence indicates that the variant is pathogenic, but additional data are needed to prove that conclusively. Therefore, this variant has been classified as Likely Pathogenic.

GeneDx
Classification: Uncertain significance. Last evaluated: 2023-08-29. Review status: criteria provided, single submitter. Criteria: GeneDx Variant Classification Process June 2021. Collection method: clinical testing. Allele origin: germline. Affected: yes.
Comment: Not observed at a significant frequency in large population cohorts (gnomAD); In silico analysis supports that this missense variant has a deleterious effect on protein structure/function; Observed in an individual with cancer evaluated with MSI and IHC (Li et al., 2020); This variant is associated with the following publications: (PMID: Fukui2011[Chapter], 31391288)

Sema4
Classification: Uncertain significance for Hereditary cancer-predisposing syndrome. Last evaluated: 2021-11-29. Review status: criteria provided, single submitter. Criteria: Sema4 Curation Guidelines. Collection method: curation. Allele origin: germline.
Comment: To the best of our knowledge, the PMS2 c.2567T>G (p.L856R) variant has not been reported in individuals with PMS2-related disease. It was observed in 2/90654 chromosomes of the Non-Finnish European subpopulation in the large and broad cohorts of the Genome Aggregation Database (PMID: 32461654). This variant has been reported in ClinVar (Variation ID: 142260). In silico tools suggest the impact of the variant on protein function is deleterious, though these predictions have not been confirmed by functional studies. The evidence is insufficient to meet ACMG/AMP criteria for classifying the variant as benign or pathogenic. Thus, the clinical significance of this variant is currently uncertain.

NM_000535.7(PMS2):c.2567T>G (p.Leu856Arg)

Gene: PMS2 (PMS1 homolog 2, mismatch repair system component; minus strand). Cytogenetic location: 7p22.1.
Variant type: single nucleotide variant.
Coding change: c.2567T>G on transcript NM_000535.7 (MANE Select); coding-DNA position 2567, T replaced by G.
Protein change: p.Leu856Arg; replaces leucine 856 with arginine.
Molecular consequence: missense variant. On other transcripts: non-coding transcript variant (1).
Genome position (GRCh38, 1-based): chr7:5,973,421, A>C on the plus strand (T>G on the coding strand, the complement: PMS2 is on the minus strand). VCF-style: chr7-5973421-A-C. GRCh37 (hg19) VCF-style: chr7-6013052-A-C.
Other names: c.2162T>G, p.Leu721Arg (NM_001322003.2, NM_001322004.2, NM_001322005.2); c.2411T>G, p.Leu804Arg (NM_001322006.2); c.2249T>G, p.Leu750Arg (NM_001322007.2, NM_001322008.2); c.2195T>G, p.Leu732Arg (NM_001322009.2); c.2006T>G, p.Leu669Arg (NM_001322010.2); c.1634T>G, p.Leu545Arg (NM_001322011.2, NM_001322012.2); c.1994T>G, p.Leu665Arg (NM_001322013.2); c.2600T>G, p.Leu867Arg (NM_001322014.2); and 1 more; short protein forms L856R, L669R, L750R, L753R, L721R, L867R, L545R, L665R.
Identifiers: ClinVar variation 142260 (VCV000142260.27), dbSNP rs587782342, ClinGen allele CA011714.